The following is an entry in ClinVar:

NM_004183.4(BEST1):c.1302G>C (p.Gln434His)

Gene: BEST1 (bestrophin 1; plus strand). Cytogenetic location: 11q12.3.
Variant type: single nucleotide variant.
Coding change: c.1302G>C on transcript NM_004183.4 (MANE Select); coding-DNA position 1302, G replaced by C.
Protein change: p.Gln434His; replaces glutamine 434 with histidine.
Molecular consequence: missense variant. On other transcripts: 3 prime UTR variant (1), non-coding transcript variant (1).
Genome position (GRCh38, 1-based): chr11:61,962,456, G>C. VCF-style: chr11-61962456-G-C. GRCh37 (hg19) VCF-style: chr11-61729928-G-C.
Other names: c.1122G>C, p.Gln374His (NM_001139443.3, NM_001300787.2); c.1041G>C, p.Gln347His (NM_001300786.2, NM_001440574.1); c.984G>C, p.Gln328His (NM_001363591.3); c.*197G>C (NM_001363592.2); c.330G>C, p.Gln110His (NM_001363593.3); c.1302G>C, p.Gln434His (NM_001440571.1); c.1221G>C, p.Gln407His (NM_001440572.1); c.1149G>C, p.Gln383His (NM_001440573.1); and 2 more; short protein forms Q110H, Q296H, Q323H, Q328H, Q347H, Q374H, Q383H, Q407H.
Identifiers: ClinVar variation 4854346 (VCV004854346.1).
Genomic context (GRCh38, chr11:61,962,456, plus strand): 5'-GCCCAAGAGGGAATCCCTTCTCCACGAGGGCCTGCCCAAAAACCACAAGGCAGCCAAACA[G>C]AACGTTAGGGGCCAGGAAGACAACAAGGCCTGGAAGCTTAAGGCTGTGGACGCCTTCAAG-3'
Protein context (NP_004174.1, residues 424-444): GLPKNHKAAK[Gln434His]NVRGQEDNKA

ClinVar aggregate classification (germline): Uncertain significance (1 of 4 stars; one submission).

Conditions:
BEST1-related disorder. Also called: BEST1-related condition; BEST1-related disorders. Identifiers: MedGen CN239200.

Submission:

3billion
Classification: Uncertain significance for BEST1-related disorder. Last evaluated: 2025-08-08. Review status: criteria provided, single submitter. Criteria: ACMG Guidelines, 2015. Collection method: clinical testing. Allele origin: germline. Affected: yes.
Comment: The variant is not observed in the gnomAD v4.1.0 dataset. Predicted Consequence/Location: Missense variant Therefore, this variant is classified as VUS according to the recommendation of ACMG/AMP guideline.